The following is an entry in ClinVar:

NM_017934.7(PHIP):c.2068A>C (p.Arg690=)

Gene: PHIP (PHIP subunit of CUL4-Ring ligase complex; minus strand). Cytogenetic location: 6q14.1.
Variant type: single nucleotide variant.
Coding change: c.2068A>C on transcript NM_017934.7 (MANE Select); coding-DNA position 2068, A replaced by C.
Protein change: p.Arg690=; no amino-acid change (arginine 690 retained).
Molecular consequence: synonymous variant.
Genome position (GRCh38, 1-based): chr6:78,997,547, T>G on the plus strand (A>C on the coding strand, the complement: PHIP is on the minus strand). VCF-style: chr6-78997547-T-G. GRCh37 (hg19) VCF-style: chr6-79707264-T-G.
Other names: c.2068A>C (NM_017934.6).
Identifiers: ClinVar variation 2196064 (VCV002196064.5), dbSNP rs771242458, ClinGen allele CA3900032.

ClinVar aggregate classification (germline): Likely benign. Review status: criteria provided, single submitter (1 of 4 stars). 2 submissions from 2 submitters: Likely benign (1). 1 of the submissions does not count toward it. Last evaluated 2023-09-04.

Conditions:
PHIP-related disorder. Also called: PHIP-related condition; PHIP-related disorders.

Allele frequency attached by ClinVar (database versions not stated): gnomAD 0.00001; ExAC 0.00002; gnomAD exomes 0.00002; TOPMed 0.00002.
gnomAD v4.1: 28 of 1,613,896 alleles (0.0017%); highest among the groups gnomAD compares: Admixed American, 0.005%; no homozygotes.

Submissions (2):

Labcorp Genetics (formerly Invitae), Labcorp
Classification: Likely benign. Last evaluated: 2023-09-04. Review status: criteria provided, single submitter. Criteria: Invitae Variant Classification Sherloc (09022015). Collection method: clinical testing. Allele origin: germline.

PreventionGenetics, part of Exact Sciences
Classification: Likely benign for PHIP-related condition. Last evaluated: 2024-05-21. Review status: no assertion criteria provided. Collection method: clinical testing. Allele origin: germline. Not counted in ClinVar's aggregate classification.
Comment: This variant is classified as likely benign based on ACMG/AMP sequence variant interpretation guidelines (Richards et al. 2015 PMID: 25741868, with internal and published modifications).